The following is an entry in ClinVar:

ClinVar aggregate classification (germline): Likely pathogenic (1 of 4 stars; one submission).

Conditions:
Familial cancer of breast. Also called: hereditary breast carcinoma; Hereditary breast cancer; BREAST CANCER, FAMILIAL. Identifiers: Orphanet 227535, MedGen C0346153, MONDO:0016419, OMIM 114480. Disease mechanism: loss of function.

Submission:

Institute of Human Genetics, University of Leipzig Medical Center
Classification: Likely pathogenic for Familial cancer of breast. Last evaluated: 2022-09-07. Review status: criteria provided, single submitter. Criteria: ACMG Guidelines, 2015. Collection method: clinical testing. Allele origin: unknown. Affected: yes.
Comment: _x000D_ Criteria applied: PVS1, PM2_SUPP

NM_000059.4(BRCA2):c.945_947del (p.Cys315_Arg316delinsTer)

Gene: BRCA2 (BRCA2 DNA repair associated; plus strand). Cytogenetic location: 13q13.1.
Variant type: Deletion.
Coding change: c.945_947del on transcript NM_000059.4 (MANE Select); coding-DNA positions 945 to 947, 3 bases deleted (TAG; older notation c.945_947delTAG).
Protein change: p.Cys315_Arg316delinsTer.
Molecular consequence: nonsense.
Genome position (GRCh38, 1-based): chr13:32,332,423-32,332,425, TAG deleted; deleting any 3 consecutive bases within chr13:32,332,422-32,332,425 gives the same sequence; the c. name uses the placement nearest the transcript's 3' end. VCF-style (leftmost placement, unchanged base first): chr13-32332421-TGTA-T. GRCh37 (hg19) VCF-style: chr13-32906558-TGTA-T.
Other names: c.945_947delTAG, p.Cys315_Asn650delinsTer (NM_001406719.1, NM_001406720.1); c.945_947delTAG, p.Cys315_Asp650delinsTer (NM_001406721.1).
Identifiers: ClinVar variation 1707532 (VCV001707532.1), dbSNP rs2548519165, ClinGen allele CA2580087170.